The following is an entry in ClinVar:

NM_001085382.2(PSAPL1):c.1485C>T (p.Ala495=)

Genes: PSAPL1 (prosaposin like 1; minus strand), SORCS2 (sortilin related VPS10 domain containing receptor 2; plus strand). Cytogenetic location: 4p16.1.
Variant type: single nucleotide variant.
Coding change: c.1485C>T on transcript NM_001085382.2 (MANE Select); coding-DNA position 1485, C replaced by T.
Protein change: p.Ala495=; no amino-acid change (alanine 495 retained).
Molecular consequence: synonymous variant. On other transcripts: intron variant (1).
Genome position (GRCh38, 1-based): chr4:7,433,395, G>A on the plus strand (C>T on the coding strand, the complement: PSAPL1 is on the minus strand). VCF-style: chr4-7433395-G-A. GRCh37 (hg19) VCF-style: chr4-7435122-G-A.
Other names: c.548+37040G>A (NM_020777.3).
Identifiers: ClinVar variation 2654635 (VCV002654635.24), dbSNP rs200029498, ClinGen allele CA2844609.

ClinVar aggregate classification (germline): Likely benign (1 of 4 stars; one submission).

Allele frequency attached by ClinVar (database versions not stated): gnomAD exomes 0.00038; ESP Exome Variant Server 0.00048; gnomAD 0.00048; TOPMed 0.00048; ExAC 0.00137.
gnomAD v4.1: 628 of 1,499,488 alleles (0.042%); highest among the groups gnomAD compares: Non-Finnish European, 0.027%; 1 homozygote.

Submission:

CeGaT Center for Human Genetics Tuebingen
Classification: Likely benign. Last evaluated: 2023-02-01. Review status: criteria provided, single submitter. Criteria: CeGaT Center For Human Genetics Tuebingen Variant Classification Criteria Version 2. Collection method: clinical testing. Allele origin: germline. Affected: yes. Observed: 1 variant allele.
Comment: PSAPL1: BP4, BP7